The following is an entry in ClinVar:

NM_001080467.3(MYO5B):c.5253G>T (p.Lys1751Asn)

Genes: MYO5B (myosin VB; minus strand), SNHG22 (small nucleolar RNA host gene 22; plus strand). Cytogenetic location: 18q21.1.
Variant type: single nucleotide variant.
Coding change: c.5253G>T on transcript NM_001080467.3 (MANE Select); coding-DNA position 5253, G replaced by T.
Protein change: p.Lys1751Asn; replaces lysine 1751 with asparagine.
Molecular consequence: missense variant.
Genome position (GRCh38, 1-based): chr18:49,836,771, C>A on the plus strand (G>T on the coding strand, the complement: MYO5B is on the minus strand). VCF-style: chr18-49836771-C-A. GRCh37 (hg19) VCF-style: chr18-47363141-C-A.
Other names: short protein forms K1751N.
Identifiers: ClinVar variation 1716335 (VCV001716335.5), dbSNP rs768384576, ClinGen allele CA8960109.
Genomic context (GRCh38, chr18:49,836,771, plus strand): 5'-CTGCTGGGTGCTGAGGGAGGTACACAGGGAGCAGATAGCCTCTGCGTCCTCCTGGGTTTT[C>A]TTCTTTAATTGCAGGAGCTGGGCTGCTTGGATCAGAGGTTCCATGGTCTGAACTGCTCCA-3'
Protein context (NP_001073936.1, residues 1741-1761): IQAAQLLQLK[Lys1751Asn]KTQEDAEAIC

ClinVar aggregate classification (germline): Uncertain significance (1 of 4 stars; one submission).

Allele frequency attached by ClinVar (database versions not stated): ExAC 0.00001; gnomAD exomes 0.00001.
gnomAD v4.1: 9 of 1,614,170 alleles (0.00056%); highest among the groups gnomAD compares: Non-Finnish European, 0.00076%; no homozygotes.

Submission:

Labcorp Genetics (formerly Invitae), Labcorp
Classification: Uncertain significance. Last evaluated: 2022-08-13. Review status: criteria provided, single submitter. Criteria: Invitae Variant Classification Sherloc (09022015). Collection method: clinical testing. Allele origin: germline.
Comment: In summary, the available evidence is currently insufficient to determine the role of this variant in disease. Therefore, it has been classified as a Variant of Uncertain Significance. Algorithms developed to predict the effect of missense changes on protein structure and function are either unavailable or do not agree on the potential impact of this missense change (SIFT: "Deleterious"; PolyPhen-2: "Probably Damaging"; Align-GVGD: "Class C0"). This variant has not been reported in the literature in individuals affected with MYO5B-related conditions. This variant is present in population databases (rs768384576, gnomAD 0.0009%). This sequence change replaces lysine, which is basic and polar, with asparagine, which is neutral and polar, at codon 1751 of the MYO5B protein (p.Lys1751Asn).